The following is an entry in ClinVar:

NM_020180.4(CELF4):c.802-9C>G

Gene: CELF4 (CUGBP Elav-like family member 4; minus strand). Cytogenetic location: 18q12.2.
Variant type: single nucleotide variant.
Coding change: c.802-9C>G on transcript NM_020180.4 (MANE Select); 9 bases into the intron before coding-DNA position 802, C replaced by G.
Molecular consequence: intron variant.
Genome position (GRCh38, 1-based): chr18:37,273,172, G>C on the plus strand (C>G on the coding strand, the complement: CELF4 is on the minus strand). VCF-style: chr18-37273172-G-C. GRCh37 (hg19) VCF-style: chr18-34853135-G-C.
Other names: c.802-9C>G (NM_001353731.2, NM_001353708.2, NM_001353734.2 and 6 more transcripts); c.400-9C>G (NM_001353758.2, NM_001353759.2); c.403-9C>G (NM_001353760.2, NM_001353757.2); c.430-9C>G (NM_001353761.2, NM_001353756.2); c.769-12C>G (NM_001353733.2, NM_001353722.2, NM_001353711.2 and 5 more transcripts); c.769-9C>G (NM_001353714.2, NM_001353732.2, NM_001353695.2 and 8 more transcripts); c.772-12C>G (NM_001353750.2, NM_001353699.2, NM_001353721.2 and 3 more transcripts); c.772-9C>G (NM_001353720.2, NM_001353710.2, NM_001353700.2 and 6 more transcripts); and 3 more.
Identifiers: ClinVar variation 5002883 (VCV005002883.1).

ClinVar aggregate classification (germline): Uncertain significance (1 of 4 stars; one submission).

Submission:

OLLIN Analises Genomicas, OLLIN
Classification: Uncertain significance. Last evaluated: 2026-08-06. Review status: criteria provided, single submitter. Criteria: ACMG Guidelines 2015 PMID 25741868. Collection method: clinical testing. Allele origin: germline.
Comment: This variant is absent from gnomAD and ClinVar and has not been found in the scientific literature. According to the currently available evidence, this variant has been classified as uncertain significance (PM2_P, BP4).